The following is an entry in ClinVar:

ClinVar aggregate classification (germline): Pathogenic (1 of 4 stars; one submission).

Conditions:
Karyomegalic interstitial nephritis. Identifiers: Orphanet 401996, MedGen C3553774, MONDO:0013898, OMIM 614817.

Submission:

3billion
Classification: Pathogenic for Karyomegalic interstitial nephritis. Last evaluated: 2025-06-10. Review status: criteria provided, single submitter. Criteria: ACMG Guidelines, 2015. Collection method: clinical testing. Allele origin: germline. Affected: yes.
Comment: The variant is observed at an extremely low frequency in the gnomAD v4.1.0 dataset (total allele frequency: <0.001%). Predicted Consequence/Location: Frameshift: predicted to result in a loss or disruption of normal protein function through nonsense-mediated decay (NMD) or protein truncation. Multiple pathogenic variants are reported downstream of the variant. The variant has been reported to be in trans with a pathogenic variant as either compound heterozygous or homozygous in at least one similarly affected unrelated individual (3billion dataset). The variant has been reported to be associated with FAN1-related disorder (ClinVar ID: VCV003775318 /PMID: 32563974 /3billion dataset). Therefore, this variant is classified as Pathogenic according to the recommendation of ACMG/AMP guideline.

Literature cited by the submitters: PubMed 32563974.

NM_014967.5(FAN1):c.1987_1996del (p.Gly663fs)

Genes: FAN1 (FANCD2 and FANCI associated nuclease 1; plus strand), MTMR10 (myotubularin related protein 10; minus strand). Cytogenetic location: 15q13.3.
Variant type: Deletion.
Coding change: c.1987_1996del on transcript NM_014967.5 (MANE Select); coding-DNA positions 1987 to 1996, 10 bases deleted (GGGTGGATTT; older notation c.1987_1996delGGGTGGATTT).
Protein change: p.Gly663fs; shifts the reading frame from glycine 663.
Molecular consequence: frameshift variant.
Genome position (GRCh38, 1-based): chr15:30,920,588-30,920,597, GGGTGGATTT deleted; deleting any 10 consecutive bases within chr15:30,920,586-30,920,597 gives the same sequence; the c. name uses the placement nearest the transcript's 3' end. VCF-style (leftmost placement, unchanged base first): chr15-30920585-GTTGGGTGGAT-G. GRCh37 (hg19) VCF-style: chr15-31212788-GTTGGGTGGAT-G.
Other names: short protein forms G663fs.
Identifiers: ClinVar variation 3775318 (VCV003775318.2).